The following is an entry in ClinVar:

ClinVar aggregate classification (germline): Uncertain significance (0 of 4 stars; one submission).

Conditions:
PCNT-related disorder. Also called: PCNT-related condition.

gnomAD v4.1: 5 of 1,613,952 alleles (0.00031%); highest among the groups gnomAD compares: African/African-American, 0.0067%; no homozygotes.

Submission:

PreventionGenetics, part of Exact Sciences
Classification: Uncertain significance for PCNT-related condition. Last evaluated: 2024-06-24. Review status: no assertion criteria provided. Collection method: clinical testing. Allele origin: germline.
Comment: The PCNT c.8096C>G variant is predicted to result in the amino acid substitution p.Ala2699Gly. To our knowledge, this variant has not been reported in the literature. This variant is reported in 0.012% of alleles in individuals of African descent in gnomAD. At this time, the clinical significance of this variant is uncertain due to the absence of conclusive functional and genetic evidence.

NM_006031.6(PCNT):c.8096C>G (p.Ala2699Gly)

Gene: PCNT (pericentrin; plus strand). Cytogenetic location: 21q22.3.
Variant type: single nucleotide variant.
Coding change: c.8096C>G on transcript NM_006031.6 (MANE Select); coding-DNA position 8096, C replaced by G.
Protein change: p.Ala2699Gly; replaces alanine 2699 with glycine.
Molecular consequence: missense variant.
Genome position (GRCh38, 1-based): chr21:46,431,560, C>G. VCF-style: chr21-46431560-C-G. GRCh37 (hg19) VCF-style: chr21-47851474-C-G.
Other names: c.7742C>G, p.Ala2581Gly (NM_001315529.2); short protein forms A2581G, A2699G.
Identifiers: ClinVar variation 3350859 (VCV003350859.1).